The following is an entry in ClinVar:

NM_201384.3(PLEC):c.5188C>A (p.Gln1730Lys)

Gene: PLEC (plectin; minus strand). Cytogenetic location: 8q24.3.
Variant type: single nucleotide variant.
Coding change: c.5188C>A on transcript NM_201384.3 (MANE Select); coding-DNA position 5188, C replaced by A.
Protein change: p.Gln1730Lys; replaces glutamine 1730 with lysine.
Molecular consequence: missense variant.
Genome position (GRCh38, 1-based): chr8:143,924,741, G>T on the plus strand (C>A on the coding strand, the complement: PLEC is on the minus strand). VCF-style: chr8-143924741-G-T. GRCh37 (hg19) VCF-style: chr8-144998909-G-T.
Other names: c.5269C>A, p.Gln1757Lys (NM_000445.5); c.5146C>A, p.Gln1716Lys (NM_201378.4); c.5122C>A, p.Gln1708Lys (NM_201379.3); c.5599C>A, p.Gln1867Lys (NM_201380.4); c.5092C>A, p.Gln1698Lys (NM_201381.3); c.5188C>A, p.Gln1730Lys (NM_201382.4); c.5200C>A, p.Gln1734Lys (NM_201383.3); short protein forms Q1698K, Q1708K, Q1716K, Q1730K, Q1734K, Q1757K, Q1867K.
Identifiers: ClinVar variation 1022813 (VCV001022813.5), dbSNP rs1824304044, ClinGen allele CA372548982.

ClinVar aggregate classification (germline): Uncertain significance (1 of 4 stars; one submission).

Conditions:
Epidermolysis bullosa simplex with nail dystrophy (EBS5D). Identifiers: MedGen C4225309, MONDO:0014661, OMIM 616487.
Epidermolysis bullosa simplex 5B, with muscular dystrophy (EBS5B). Also called: EPIDERMOLYSIS BULLOSA SIMPLEX AND LIMB-GIRDLE MUSCULAR DYSTROPHY; Epidermolysis bullosa simplex with muscular dystrophy. Identifiers: Orphanet 257, MedGen C2931072, MONDO:0009181, OMIM 226670.
Epidermolysis bullosa simplex, Ogna type (EBS5A). Also called: Pidermolysis bullosa simplex 5A, Ogna type; EPIDERMOLYSIS BULLOSA SIMPLEX 5A, OGNA TYPE. Identifiers: Orphanet 79401, MedGen C0432317, MONDO:0007555, OMIM 131950.
Epidermolysis bullosa simplex 5C, with pyloric atresia (EBS5C). Also called: PLEC-Related Epidermolysis Bullosa with Pyloric Atresia; Epidermolysis bullosa simplex with pyloric atresia; PLEC1-Related Epidermolysis Bullosa with Pyloric Atresia. Identifiers: Orphanet 158684, MedGen C2677349, MONDO:0012807, OMIM 612138.
Autosomal recessive limb-girdle muscular dystrophy type 2Q (LGMDR17). Also called: MUSCULAR DYSTROPHY, LIMB-GIRDLE, AUTOSOMAL RECESSIVE 17. Identifiers: Orphanet 254361, MedGen C3150989, MONDO:0013390, OMIM 613723.

Allele frequency attached by ClinVar (database versions not stated): gnomAD 0.00001.

Submission:

Labcorp Genetics (formerly Invitae), Labcorp
Classification: Uncertain significance for Autosomal recessive limb-girdle muscular dystrophy type 2Q; Epidermolysis bullosa simplex, Ogna type; Epidermolysis bullosa simplex with nail dystrophy; Epidermolysis bullosa simplex 5C, with pyloric atresia; Epidermolysis bullosa simplex 5B, with muscular dystrophy. Last evaluated: 2020-07-09. Review status: criteria provided, single submitter. Criteria: Invitae Variant Classification Sherloc (09022015). Collection method: clinical testing. Allele origin: germline.
Comment: In summary, the available evidence is currently insufficient to determine the role of this variant in disease. Therefore, it has been classified as a Variant of Uncertain Significance. Algorithms developed to predict the effect of missense changes on protein structure and function are either unavailable or do not agree on the potential impact of this missense change (SIFT: "Tolerated"; PolyPhen-2: "Not Available"; Align-GVGD: "Class C0"). This variant has not been reported in the literature in individuals with PLEC-related conditions. The frequency data for this variant in the population databases is considered unreliable, as metrics indicate insufficient coverage at this position in the ExAC database. This sequence change replaces glutamine with lysine at codon 1757 of the PLEC protein (p.Gln1757Lys). The glutamine residue is moderately conserved and there is a small physicochemical difference between glutamine and lysine.